The following is an entry in ClinVar:

ClinVar aggregate classification (germline): Pathogenic. Review status: criteria provided, multiple submitters, no conflicts (2 of 4 stars). 2 submissions from 2 submitters: Pathogenic (2). Last evaluated 2022-07-19.

Conditions:
Bethlem myopathy 1A. Also called: Bethlem myopathy 1; MYOPATHY, BENIGN CONGENITAL, WITH CONTRACTURES; Bethlem Muscular Dystrophy. Identifiers: Orphanet 610, MedGen CN029274, MONDO:0024530, OMIM 158810.

Submissions (2):

Labcorp Genetics (formerly Invitae), Labcorp
Classification: Pathogenic for Bethlem myopathy 1A. Last evaluated: 2022-07-19. Review status: criteria provided, single submitter. Criteria: Invitae Variant Classification Sherloc (09022015). Collection method: clinical testing. Allele origin: germline.
Comment: For these reasons, this variant has been classified as Pathogenic. ClinVar contains an entry for this variant (Variation ID: 282652). This variant has not been reported in the literature in individuals affected with COL6A3-related conditions. This variant is not present in population databases (gnomAD no frequency). This sequence change creates a premature translational stop signal (p.Gln1375Argfs*5) in the COL6A3 gene. It is expected to result in an absent or disrupted protein product. Loss-of-function variants in COL6A3 are known to be pathogenic (PMID: 26004199).

Eurofins Ntd Llc (ga)
Classification: Pathogenic. Last evaluated: 2015-08-18. Review status: criteria provided, single submitter. Criteria: EGL Classification Definitions 2015. Collection method: clinical testing. Allele origin: germline. Observed: 1 variant allele, 1 heterozygote.

Literature cited by the submitters: PubMed 26004199 (cited by Labcorp Genetics (formerly Invitae), Labcorp).

NM_004369.4(COL6A3):c.4124del (p.Gln1375fs)

Gene: COL6A3 (collagen type VI alpha 3 chain; minus strand). Cytogenetic location: 2q37.3.
Variant type: Deletion.
Coding change: c.4124del on transcript NM_004369.4 (MANE Select); coding-DNA position 4124, one base deleted (A; older notation c.4124delA).
Protein change: p.Gln1375fs; shifts the reading frame from glutamine 1375.
Molecular consequence: frameshift variant.
Genome position (GRCh38, 1-based): chr2:237,371,893, T deleted on the plus strand (A on the coding strand, the reverse complement: COL6A3 is on the minus strand). VCF-style (leftmost placement, unchanged base first): chr2-237371892-CT-C. GRCh37 (hg19) VCF-style: chr2-238280535-CT-C.
Other names: c.2903del, p.Gln968fs (NM_057164.5); c.3506del, p.Gln1169fs (NM_057165.5, NM_057167.4); c.2303del, p.Gln768fs (NM_057166.5); short protein forms Q1169fs, Q968fs, Q1375fs, Q768fs.
Identifiers: ClinVar variation 282652 (VCV000282652.12), dbSNP rs886042447, ClinGen allele CA10604256.
Genomic context (GRCh38, chr2:237,371,892, plus strand): 5'-CCGGAAGGTGCTCACCGAGAACACATATTCGGGGCTCAGCGAGATCTTCACCAGCTCCTC[CT>C]GGTCTGCGTTCCTGGCGATCGTGAAAGGGGCCACGCCAAACTGCTTGAGCTCCACCGCCG-3'